The following is an entry in ClinVar:

NM_001378454.1(ALMS1):c.7087C>G (p.Leu2363Val)

Gene: ALMS1 (ALMS1 centrosome and basal body associated protein; plus strand). Cytogenetic location: 2p13.1.
Variant type: single nucleotide variant.
Coding change: c.7087C>G on transcript NM_001378454.1 (MANE Select); coding-DNA position 7087, C replaced by G.
Protein change: p.Leu2363Val; replaces leucine 2363 with valine.
Molecular consequence: missense variant.
Genome position (GRCh38, 1-based): chr2:73,453,614, C>G. VCF-style: chr2-73453614-C-G. GRCh37 (hg19) VCF-style: chr2-73680741-C-G.
Other names: c.7090C>G, p.Leu2364Val (NM_015120.4); short protein forms L2364V, L2363V.
Identifiers: ClinVar variation 2073428 (VCV002073428.4), dbSNP rs1304430967, ClinGen allele CA347290902.

ClinVar aggregate classification (germline): Conflicting classifications of pathogenicity. Review status: criteria provided, conflicting classifications (1 of 4 stars). 4 submissions from 4 submitters: Uncertain significance (3); Likely benign (1). Last evaluated 2024-12-02.

Conditions:
Cardiovascular phenotype. Identifiers: MedGen CN230736.
Alstrom syndrome (ALMS). Identifiers: Orphanet 64, MedGen C0268425, MONDO:0008763, OMIM 203800.

Allele frequency attached by ClinVar (database versions not stated): gnomAD 0.00001; gnomAD exomes 0.00001; TOPMed 0.00001.
gnomAD v4.1: 16 of 1,613,840 alleles (0.00099%); highest among the groups gnomAD compares: Non-Finnish European, 0.0014%; no homozygotes.

Submissions (4):

GeneDx
Classification: Uncertain significance. Last evaluated: 2024-12-02. Review status: criteria provided, single submitter. Criteria: GeneDx Variant Classification Process June 2021. Collection method: clinical testing. Allele origin: germline. Affected: yes.
Comment: Not observed at significant frequency in large population cohorts (gnomAD); In silico analysis indicates that this missense variant does not alter protein structure/function; Has not been previously published as pathogenic or benign to our knowledge

Ambry Genetics
Classification: Likely benign for Cardiovascular phenotype. Last evaluated: 2024-10-25. Review status: criteria provided, single submitter. Criteria: Ambry Variant Classification Scheme 2023. Collection method: clinical testing. Allele origin: germline.

Blueprint Genetics
Classification: Uncertain significance. Last evaluated: 2022-04-29. Review status: criteria provided, single submitter. Criteria: ACMG Guidelines, 2015. Collection method: clinical testing. Allele origin: germline.

Labcorp Genetics (formerly Invitae), Labcorp
Classification: Uncertain significance for Alstrom syndrome. Last evaluated: 2022-01-06. Review status: criteria provided, single submitter. Criteria: Invitae Variant Classification Sherloc (09022015). Collection method: clinical testing. Allele origin: germline.
Comment: This sequence change replaces leucine, which is neutral and non-polar, with valine, which is neutral and non-polar, at codon 2364 of the ALMS1 protein (p.Leu2364Val). This variant is present in population databases (no rsID available, gnomAD 0.0009%). This variant has not been reported in the literature in individuals affected with ALMS1-related conditions. Experimental studies and prediction algorithms are not available or were not evaluated, and the functional significance of this variant is currently unknown. In summary, the available evidence is currently insufficient to determine the role of this variant in disease. Therefore, it has been classified as a Variant of Uncertain Significance.